The following is an entry in ClinVar:

NM_005051.3(QARS1):c.94C>T (p.Gln32Ter)

Genes: QARS1 (glutaminyl-tRNA synthetase 1; minus strand), LOC129936736 (ATAC-STARR-seq lymphoblastoid active region 19853; plus strand). Cytogenetic location: 3p21.31.
Variant type: single nucleotide variant.
Coding change: c.94C>T on transcript NM_005051.3 (MANE Select); coding-DNA position 94, C replaced by T.
Protein change: p.Gln32Ter; replaces glutamine 32 with a stop codon.
Molecular consequence: nonsense. On other transcripts: non-coding transcript variant (1).
Genome position (GRCh38, 1-based): chr3:49,104,640, G>A on the plus strand (C>T on the coding strand, the complement: QARS1 is on the minus strand). VCF-style: chr3-49104640-G-A. GRCh37 (hg19) VCF-style: chr3-49142073-G-A.
Other names: c.94C>T, p.Gln32Ter (NM_001272073.2); short protein forms Q32*.
Identifiers: ClinVar variation 3673015 (VCV003673015.2).

ClinVar aggregate classification (germline): Pathogenic (1 of 4 stars; one submission).

Conditions:
Diffuse cerebral and cerebellar atrophy - intractable seizures - progressive microcephaly syndrome. Also called: Microcephaly, progressive, with seizures and cerebral and cerebellar atrophy. Identifiers: Orphanet 404437, MedGen C4014239, MONDO:0014335, OMIM 615760.

Submission:

Labcorp Genetics (formerly Invitae), Labcorp
Classification: Pathogenic for Diffuse cerebral and cerebellar atrophy - intractable seizures - progressive microcephaly syndrome. Last evaluated: 2024-03-01. Review status: criteria provided, single submitter. Criteria: Invitae Variant Classification Sherloc (09022015). Collection method: clinical testing. Allele origin: germline.
Comment: This sequence change creates a premature translational stop signal (p.Gln32*) in the QARS gene. It is expected to result in an absent or disrupted protein product. Loss-of-function variants in QARS are known to be pathogenic (PMID: 24656866, 25471517). This variant is not present in population databases (gnomAD no frequency). This variant has not been reported in the literature in individuals affected with QARS-related conditions. For these reasons, this variant has been classified as Pathogenic.

Literature cited by the submitters: PubMed 24656866; PubMed 25471517.